The following is an entry in ClinVar:

ClinVar aggregate classification (germline): Uncertain significance. Review status: criteria provided, multiple submitters, no conflicts (2 of 4 stars). 2 submissions from 2 submitters: Uncertain significance (2). Last evaluated 2023-05-04.

Conditions:
Cardiovascular phenotype. Identifiers: MedGen CN230736.
Hypertrophic cardiomyopathy 2. Also called: TNNT2-Related Familial Hypertrophic Cardiomyopathy. Identifiers: MedGen C1861864, MONDO:0007266, OMIM 115195.
Cardiomyopathy, familial restrictive, 3. Identifiers: Orphanet 75249, MedGen C2676271, MONDO:0012900, OMIM 612422.
Dilated cardiomyopathy 1D. Identifiers: Orphanet 154, Orphanet 54260, MedGen C1832243, MONDO:0011095, OMIM 601494.

Submissions (2):

Labcorp Genetics (formerly Invitae), Labcorp
Classification: Uncertain significance for Cardiomyopathy, familial restrictive, 3; Hypertrophic cardiomyopathy 2; Dilated cardiomyopathy 1D. Last evaluated: 2023-05-04. Review status: criteria provided, single submitter. Criteria: Invitae Variant Classification Sherloc (09022015). Collection method: clinical testing. Allele origin: germline.
Comment: This sequence change replaces threonine, which is neutral and polar, with alanine, which is neutral and non-polar, at codon 38 of the TNNT2 protein (p.Thr38Ala). This variant is not present in population databases (gnomAD no frequency). This variant has not been reported in the literature in individuals affected with TNNT2-related conditions. ClinVar contains an entry for this variant (Variation ID: 1727809). Advanced modeling of protein sequence and biophysical properties (such as structural, functional, and spatial information, amino acid conservation, physicochemical variation, residue mobility, and thermodynamic stability) performed at Invitae indicates that this missense variant is not expected to disrupt TNNT2 protein function. In summary, the available evidence is currently insufficient to determine the role of this variant in disease. Therefore, it has been classified as a Variant of Uncertain Significance.

Ambry Genetics
Classification: Uncertain significance for Cardiovascular phenotype. Last evaluated: 2019-05-13. Review status: criteria provided, single submitter. Criteria: Ambry Variant Classification Scheme 2023. Collection method: clinical testing. Allele origin: germline.
Comment: The p.T38A variant (also known as c.112A>G), located in coding exon 4 of the TNNT2 gene, results from an A to G substitution at nucleotide position 112. The threonine at codon 38 is replaced by alanine, an amino acid with similar properties. This amino acid position is not well conserved in available vertebrate species, and alanine is the reference amino acid in other vertebrate species. In addition, this alteration is predicted to be tolerated by in silico analysis. Since supporting evidence is limited at this time, the clinical significance of this alteration remains unclear.

Literature cited by the submitters: PubMed 25132132 (cited by Ambry Genetics).

NM_001276345.2(TNNT2):c.142A>G (p.Thr48Ala)

Gene: TNNT2 (troponin T2, cardiac type; minus strand). Cytogenetic location: 1q32.1.
Variant type: single nucleotide variant.
Coding change: c.142A>G on transcript NM_001276345.2 (MANE Select); coding-DNA position 142, A replaced by G.
Protein change: p.Thr48Ala; replaces threonine 48 with alanine.
Molecular consequence: missense variant.
Genome position (GRCh38, 1-based): chr1:201,368,183, T>C on the plus strand (A>G on the coding strand, the complement: TNNT2 is on the minus strand). VCF-style: chr1-201368183-T-C. GRCh37 (hg19) VCF-style: chr1-201337311-T-C.
Other names: c.142A>G, p.Thr48Ala (NM_000364.4, NM_001276346.2, NM_001406723.1); c.112A>G, p.Thr38Ala (NM_001001430.3, NM_001001431.3, NM_001276347.2 and 4 more transcripts); c.97A>G, p.Thr33Ala (NM_001001432.3, NM_001406728.1); short protein forms T33A, T48A, T38A.
Identifiers: ClinVar variation 1727809 (VCV001727809.5), dbSNP rs2527079973, ClinGen allele CA344207257.